The following is an entry in ClinVar:

NM_153717.3(EVC):c.1321G>A (p.Val441Ile)

Gene: EVC (EvC ciliary complex subunit 1; plus strand). Cytogenetic location: 4p16.2.
Variant type: single nucleotide variant.
Coding change: c.1321G>A on transcript NM_153717.3 (MANE Select); coding-DNA position 1321, G replaced by A.
Protein change: p.Val441Ile; replaces valine 441 with isoleucine.
Molecular consequence: missense variant.
Genome position (GRCh38, 1-based): chr4:5,753,790, G>A. VCF-style: chr4-5753790-G-A. GRCh37 (hg19) VCF-style: chr4-5755517-G-A.
Other names: c.1321G>A, p.Val441Ile (NM_001306090.2, NM_001306092.2); short protein forms V441I.
Identifiers: ClinVar variation 664480 (VCV000664480.21), dbSNP rs202150959, ClinGen allele CA2836070.

ClinVar aggregate classification (germline): Conflicting classifications of pathogenicity. Review status: criteria provided, conflicting classifications (1 of 4 stars). 8 submissions from 8 submitters: Uncertain significance (5); Likely benign (2). 1 of the submissions does not count toward it. Last evaluated 2026-02-01.

Conditions:
Inborn genetic diseases. Identifiers: MedGen C0950123, MeSH D030342.
Ellis-van Creveld syndrome (EVC). Also called: MESOECTODERMAL DYSPLASIA; Chondroectodermal dysplasia. Identifiers: Orphanet 289, MedGen C0013903, MONDO:0009162, OMIM 225500.
Curry-Hall syndrome (WAD). Also called: WEYERS ACRODENTAL DYSOSTOSIS. Identifiers: Orphanet 952, MedGen C0457013, MONDO:0008673, OMIM 193530.

Allele frequency attached by ClinVar (database versions not stated): 1000 Genomes Project 30x 0.00016; 1000 Genomes Project 0.00020; gnomAD 0.00034 and 0.00036; TOPMed 0.00037; gnomAD exomes 0.00043; ExAC 0.00045; ESP Exome Variant Server 0.00054.
gnomAD v4.1: 699 of 1,614,108 alleles (0.043%); highest among the groups gnomAD compares: Non-Finnish European, 0.053%; 1 homozygote.

Submissions (8):

Labcorp Genetics (formerly Invitae), Labcorp
Classification: Likely benign for Curry-Hall syndrome; Ellis-van Creveld syndrome. Last evaluated: 2026-02-01. Review status: criteria provided, single submitter. Criteria: Invitae Variant Classification Sherloc (09022015). Collection method: clinical testing. Allele origin: germline.

GeneDx
Classification: Uncertain significance. Last evaluated: 2025-10-27. Review status: criteria provided, single submitter. Criteria: GeneDx Variant Classification Process June 2021. Collection method: clinical testing. Allele origin: germline.
Comment: In silico analysis suggests that this missense variant does not alter protein structure/function; Has not been previously published as pathogenic or benign to our knowledge

Blueprint Genetics
Classification: Likely benign. Last evaluated: 2024-11-15. Review status: criteria provided, single submitter. Criteria: ACMG Guidelines, 2015. Collection method: clinical testing. Allele origin: germline.

Women's Health and Genetics/Laboratory Corporation of America, LabCorp
Classification: Uncertain significance. Last evaluated: 2024-03-08. Review status: criteria provided, single submitter. Criteria: LabCorp Variant Classification Summary - May 2015. Collection method: clinical testing. Allele origin: germline.
Comment: Variant summary: EVC c.1321G>A (p.Val441Ile) results in a conservative amino acid change in the encoded protein sequence. Five of five in-silico tools predict a benign effect of the variant on protein function. The variant allele was found at a frequency of 0.00043 in 251460 control chromosomes (gnomAD). To our knowledge, no occurrence of c.1321G>A in individuals affected with Ellis-van Creveld syndrome and no experimental evidence demonstrating its impact on protein function have been reported. ClinVar contains an entry for this variant (Variation ID: 664480). Based on the evidence outlined above, the variant was classified as uncertain significance.

Department of Pathology and Laboratory Medicine, Sinai Health System
Classification: Uncertain significance for Curry-Hall syndrome; Ellis-van Creveld syndrome. Last evaluated: 2022-06-08. Review status: criteria provided, single submitter. Criteria: ACMG Guidelines, 2015. Collection method: research. Allele origin: germline.

Ambry Genetics
Classification: Uncertain significance for Inborn genetic diseases. Last evaluated: 2021-07-16. Review status: criteria provided, single submitter. Criteria: Ambry Variant Classification Scheme 2023. Collection method: clinical testing. Allele origin: germline.

ARUP Laboratories, Molecular Genetics and Genomics, ARUP Laboratories
Classification: Uncertain significance. Last evaluated: 2020-04-03. Review status: criteria provided, single submitter. Criteria: ARUP Molecular Germline Variant Investigation Process. Collection method: clinical testing. Allele origin: germline.
Comment: The EVC c.1321G>A; p.Val441Ile variant (rs202150959), to our knowledge, is not reported in the medical literature or gene specific databases. This variant is found in the general population with an overall allele frequency of 0.042% (119/282858 alleles) in the Genome Aggregation Database. The valine at codon 441 is moderately conserved, and computational analyses (SIFT, PolyPhen-2) predict that this variant is tolerated. Due to limited information, the clinical significance of the p.Val441Ile variant is uncertain at this time.

Natera, Inc.
Classification: Uncertain significance for Ellis-van Creveld syndrome. Last evaluated: 2020-01-06. Review status: no assertion criteria provided. Collection method: clinical testing. Allele origin: germline. Not counted in ClinVar's aggregate classification.